The following is an entry in ClinVar:

ClinVar aggregate classification (germline): Pathogenic (1 of 4 stars; one submission).

Allele frequency attached by ClinVar (database versions not stated): gnomAD 0.00001; gnomAD exomes 0.00001; TOPMed 0.00001.
gnomAD v4.1: 19 of 1,553,348 alleles (0.0012%); highest among the groups gnomAD compares: East Asian, 0.0024%; no homozygotes.

Submission:

Labcorp Genetics (formerly Invitae), Labcorp
Classification: Pathogenic. Last evaluated: 2025-01-15. Review status: criteria provided, single submitter. Criteria: Invitae Variant Classification Sherloc (09022015). Collection method: clinical testing. Allele origin: germline.
Comment: This sequence change creates a premature translational stop signal (p.Arg1799*) in the MYO18B gene. It is expected to result in an absent or disrupted protein product. Loss-of-function variants in MYO18B are known to be pathogenic (PMID: 25748484, 32184166, 32637634). The frequency data for this variant in the population databases is considered unreliable, as metrics indicate poor data quality at this position in the gnomAD database. This variant has not been reported in the literature in individuals affected with MYO18B-related conditions. ClinVar contains an entry for this variant (Variation ID: 2186474). For these reasons, this variant has been classified as Pathogenic.

Literature cited by the submitters: PubMed 25748484; PubMed 32184166; PubMed 32637634.

NM_032608.7(MYO18B):c.5395C>T (p.Arg1799Ter)

Gene: MYO18B (myosin XVIIIB; plus strand). Cytogenetic location: 22q12.1.
Variant type: single nucleotide variant.
Coding change: c.5395C>T on transcript NM_032608.7 (MANE Select); coding-DNA position 5395, C replaced by T.
Protein change: p.Arg1799Ter; replaces arginine 1799 with a stop codon.
Molecular consequence: nonsense.
Genome position (GRCh38, 1-based): chr22:25,921,287, C>T. VCF-style: chr22-25921287-C-T. GRCh37 (hg19) VCF-style: chr22-26317254-C-T.
Other names: c.5398C>T, p.Arg1800Ter (NM_001318245.2); short protein forms R1799*, R1800*.
Identifiers: ClinVar variation 2186474 (VCV002186474.4), dbSNP rs916672722, ClinGen allele CA322777898.